The following is an entry in ClinVar:

NM_001365276.2(TNXB):c.4574G>T (p.Arg1525Leu)

Gene: TNXB (tenascin XB; minus strand). Cytogenetic location: 6p21.33.
Variant type: single nucleotide variant.
Coding change: c.4574G>T on transcript NM_001365276.2 (MANE Select); coding-DNA position 4574, G replaced by T.
Protein change: p.Arg1525Leu; replaces arginine 1525 with leucine.
Molecular consequence: missense variant.
Genome position (GRCh38, 1-based): chr6:32,073,754, C>A on the plus strand (G>T on the coding strand, the complement: TNXB is on the minus strand). VCF-style: chr6-32073754-C-A. GRCh37 (hg19) VCF-style: chr6-32041531-C-A.
Other names: c.5315G>T, p.Arg1772Leu (NM_001428335.1); c.4574G>T, p.Arg1525Leu (NM_019105.8); short protein forms R1525L, R1772L.
Identifiers: ClinVar variation 3227281 (VCV003227281.1), dbSNP rs780494267, ClinGen allele CA363424066.

ClinVar aggregate classification (germline): Uncertain significance (1 of 4 stars; one submission).

Conditions:
Cardiovascular phenotype. Identifiers: MedGen CN230736.

gnomAD v4.1: 2 of 1,612,380 alleles (0.00012%); highest among the groups gnomAD compares: Non-Finnish European, 0.00017%; no homozygotes.

Submission:

Ambry Genetics
Classification: Uncertain significance for Cardiovascular phenotype. Last evaluated: 2023-11-02. Review status: criteria provided, single submitter. Criteria: Ambry Variant Classification Scheme 2023. Collection method: clinical testing. Allele origin: germline.
Comment: The p.R1525L variant (also known as c.4574G>T), located in coding exon 11 of the TNXB gene, results from a G to T substitution at nucleotide position 4574. The arginine at codon 1525 is replaced by leucine, an amino acid with dissimilar properties. This amino acid position is conserved. In addition, this alteration is predicted to be tolerated by in silico analysis. Since supporting evidence is limited at this time, the clinical significance of this alteration remains unclear.